The following is an entry in ClinVar:

NM_017646.6(TRIT1):c.910A>G (p.Asn304Asp)

Gene: TRIT1 (tRNA isopentenyltransferase 1; minus strand). Cytogenetic location: 1p34.2.
Variant type: single nucleotide variant.
Coding change: c.910A>G on transcript NM_017646.6 (MANE Select); coding-DNA position 910, A replaced by G.
Protein change: p.Asn304Asp; replaces asparagine 304 with aspartic acid.
Molecular consequence: missense variant.
Genome position (GRCh38, 1-based): chr1:39,847,566, T>C on the plus strand (A>G on the coding strand, the complement: TRIT1 is on the minus strand). VCF-style: chr1-39847566-T-C. GRCh37 (hg19) VCF-style: chr1-40313238-T-C.
Other names: p.Asn304Asp; c.910A>G, p.Asn304Asp (NM_001312691.2); c.664A>G, p.Asn222Asp (NM_001312692.2); short protein forms N222D, N304D.
Identifiers: ClinVar variation 4540993 (VCV004540993.1).

ClinVar aggregate classification (germline): Uncertain significance (1 of 4 stars; one submission).

gnomAD v4.1: 62 of 1,614,120 alleles (0.0038%); highest among the groups gnomAD compares: Non-Finnish European, 0.0049%; no homozygotes.

Submission:

Mayo Clinic Laboratories, Mayo Clinic
Classification: Uncertain significance. Last evaluated: 2025-09-10. Review status: criteria provided, single submitter. Criteria: ACMG Guidelines, 2015. Collection method: clinical testing. Allele origin: germline. Observed: 1 variant allele.
Comment: BP4_moderate, PM2_supporting